The following is an entry in ClinVar:

ClinVar aggregate classification (germline): Uncertain significance. Review status: criteria provided, multiple submitters, no conflicts (2 of 4 stars). 2 submissions from 2 submitters: Uncertain significance (2). Last evaluated 2025-02-20.

Conditions:
3-hydroxyisobutyryl-CoA hydrolase deficiency. Also called: HIBCH DEFICIENCY; METHACRYLIC ACID TOXICITY; METHACRYLIC ACIDURIA; VALINE METABOLIC DEFECT; Reduced circulating 3-hydroxyisobutyryl-CoA hydrolase activity; Deficiency of 3-hydroxyisobutyryl CoA hydrolase. Identifiers: Orphanet 88639, MedGen C0342738, MONDO:0009603, OMIM 250620, HP:6000215.

Submissions (2):

3billion
Classification: Uncertain significance for 3-hydroxyisobutyryl-CoA hydrolase deficiency. Last evaluated: 2025-02-20. Review status: criteria provided, single submitter. Criteria: ACMG Guidelines, 2015. Collection method: clinical testing. Allele origin: germline. Affected: yes.
Comment: The variant is not observed in the gnomAD v4.1.0 dataset. Predicted Consequence/Location: Missense variant Damaging effect on gene or gene product predicted by in silico programs is uncertain [REVEL: 0.27 (damaging >=0.6, benign <0.4), 3Cnet: 0.49 (damaging >=0.6, benign <0.15)]. The variant has been reported as of uncertain significance (ClinVar ID: VCV000800532; 3billion dataset). Therefore, this variant is classified as VUS according to the recommendation of ACMG/AMP guideline.

Broad Center for Mendelian Genomics, Broad Institute of MIT and Harvard
Classification: Uncertain significance for 3-hydroxyisobutyryl-CoA hydrolase deficiency. Last evaluated: 2018-11-15. Review status: criteria provided, single submitter. Criteria: ACMG Guidelines, 2015. Collection method: research. Allele origin: germline. Inheritance: Autosomal recessive inheritance. Affected: yes.
Comment: This variant was absent from large population studies. Computational prediction tools and conservation analyses suggest that this variant may not impact the protein, though this information is not predictive enough to rule out pathogenicity. In summary, the clinical significance of the p.Thr61Iler variant is uncertain.

NM_014362.4(HIBCH):c.182C>T (p.Thr61Ile)

Gene: HIBCH (3-hydroxyisobutyryl-CoA hydrolase; minus strand). Cytogenetic location: 2q32.2.
Variant type: single nucleotide variant.
Coding change: c.182C>T on transcript NM_014362.4 (MANE Select); coding-DNA position 182, C replaced by T.
Protein change: p.Thr61Ile; replaces threonine 61 with isoleucine.
Molecular consequence: missense variant.
Genome position (GRCh38, 1-based): chr2:190,296,850, G>A on the plus strand (C>T on the coding strand, the complement: HIBCH is on the minus strand). VCF-style: chr2-190296850-G-A. GRCh37 (hg19) VCF-style: chr2-191161576-G-A.
Other names: c.182C>T, p.Thr61Ile (NM_198047.3); short protein forms T61I.
Identifiers: ClinVar variation 800532 (VCV000800532.2), dbSNP rs1575757363, ClinGen allele CA349896560.